The following is an entry in ClinVar:

NM_001261826.3(AP3D1):c.364A>G (p.Ser122Gly)

Gene: AP3D1 (adaptor related protein complex 3 subunit delta 1; minus strand). Cytogenetic location: 19p13.3.
Variant type: single nucleotide variant.
Coding change: c.364A>G on transcript NM_001261826.3 (MANE Select); coding-DNA position 364, A replaced by G.
Protein change: p.Ser122Gly; replaces serine 122 with glycine.
Molecular consequence: missense variant.
Genome position (GRCh38, 1-based): chr19:2,132,569, T>C on the plus strand (A>G on the coding strand, the complement: AP3D1 is on the minus strand). VCF-style: chr19-2132569-T-C. GRCh37 (hg19) VCF-style: chr19-2132568-T-C.
Other names: c.364A>G, p.Ser122Gly (NM_001374799.1, NM_003938.8); short protein forms S122G.
Identifiers: ClinVar variation 2760163 (VCV002760163.3), dbSNP rs2512213201, ClinGen allele CA403229361.
Genomic context (GRCh38, chr19:2,132,569, plus strand): 5'-CTGGGGTGACGAAGCAGGACAGACCCGTCAGTGCAACACCTGTGTCGTACTGGCTGGGGC[T>C]GCTCAAGTCCTGGAAAGTGAGAGAAAGGGGCCGTGGCCAGGATGCCCTGGGTGGCACATC-3'
Protein context (NP_001248755.1, residues 112-132): TTNQIRKDLS[Ser122Gly]PSQYDTGVAL

ClinVar aggregate classification (germline): Uncertain significance (1 of 4 stars; one submission).

Submission:

Labcorp Genetics (formerly Invitae), Labcorp
Classification: Uncertain significance. Last evaluated: 2023-09-11. Review status: criteria provided, single submitter. Criteria: Invitae Variant Classification Sherloc (09022015). Collection method: clinical testing. Allele origin: germline.
Comment: This sequence change replaces serine, which is neutral and polar, with glycine, which is neutral and non-polar, at codon 122 of the AP3D1 protein (p.Ser122Gly). This variant is not present in population databases (gnomAD no frequency). This variant has not been reported in the literature in individuals affected with AP3D1-related conditions. An algorithm developed to predict the effect of missense changes on protein structure and function (PolyPhen-2) suggests that this variant is likely to be disruptive. In summary, the available evidence is currently insufficient to determine the role of this variant in disease. Therefore, it has been classified as a Variant of Uncertain Significance.